The following is an entry in ClinVar:

NM_000152.5(GAA):c.851C>A (p.Ala284Glu)

Gene: GAA (alpha glucosidase; plus strand). Cytogenetic location: 17q25.3.
Variant type: single nucleotide variant.
Coding change: c.851C>A on transcript NM_000152.5 (MANE Select); coding-DNA position 851, C replaced by A.
Protein change: p.Ala284Glu; replaces alanine 284 with glutamic acid.
Molecular consequence: missense variant.
Genome position (GRCh38, 1-based): chr17:80,107,715, C>A. VCF-style: chr17-80107715-C-A. GRCh37 (hg19) VCF-style: chr17-78081514-C-A.
Other names: c.851C>A, p.Ala284Glu (NM_001079803.3, NM_001079804.3, NM_001406741.1 and 1 more transcripts); short protein forms A284E.
Identifiers: ClinVar variation 2165365 (VCV002165365.4), dbSNP rs147569830, ClinGen allele CA401363699.

ClinVar aggregate classification (germline): Uncertain significance (1 of 4 stars; one submission).

Conditions:
Glycogen storage disease, type II (IOPD). Also called: POMPE DISEASE, INFANTILE-ONSET; GLYCOGEN STORAGE DISEASE II, INFANTILE-ONSET; Glucosidase acid-1,4-alpha deficiency; Pompe Disease; CARDIOMEGALIA GLYCOGENICA DIFFUSA; Glycogen storage disease type 2. Identifiers: Orphanet 365, MedGen C0017921, MONDO:0009290, OMIM 232300.

Submission:

Labcorp Genetics (formerly Invitae), Labcorp
Classification: Uncertain significance for Glycogen storage disease, type II. Last evaluated: 2022-01-06. Review status: criteria provided, single submitter. Criteria: Invitae Variant Classification Sherloc (09022015). Collection method: clinical testing. Allele origin: germline.
Comment: In summary, the available evidence is currently insufficient to determine the role of this variant in disease. Therefore, it has been classified as a Variant of Uncertain Significance. Algorithms developed to predict the effect of missense changes on protein structure and function are either unavailable or do not agree on the potential impact of this missense change (SIFT: "Tolerated"; PolyPhen-2: "Possibly Damaging"; Align-GVGD: "Class C0"). This variant has not been reported in the literature in individuals affected with GAA-related conditions. This variant is not present in population databases (gnomAD no frequency). This sequence change replaces alanine, which is neutral and non-polar, with glutamic acid, which is acidic and polar, at codon 284 of the GAA protein (p.Ala284Glu).